The following is an entry in ClinVar:

NM_001931.5(DLAT):c.482C>T (p.Ala161Val)

Gene: DLAT (dihydrolipoamide S-acetyltransferase; plus strand). Cytogenetic location: 11q23.1.
Variant type: single nucleotide variant.
Coding change: c.482C>T on transcript NM_001931.5 (MANE Select); coding-DNA position 482, C replaced by T.
Protein change: p.Ala161Val; replaces alanine 161 with valine.
Molecular consequence: missense variant. On other transcripts: nonsense (1), non-coding transcript variant (1), intron variant (2).
Genome position (GRCh38, 1-based): chr11:112,028,615, C>T. VCF-style: chr11-112028615-C-T. GRCh37 (hg19) VCF-style: chr11-111899339-C-T.
Other names: c.482C>T, p.Ala161Val (NM_001372031.1, NM_001372032.1, NM_001372033.1 and 3 more transcripts); c.449C>T, p.Ala150Val (NM_001372034.1); c.356C>T, p.Ala119Val (NM_001372036.1); c.314C>T, p.Ala105Val (NM_001372037.1); c.16C>T, p.Arg6Ter (NM_001372042.1); c.381+2316C>T (NM_001372038.1); c.364+2333C>T (NM_001372040.1); short protein forms A119V, R6*, A105V, A150V, A161V.
Identifiers: ClinVar variation 1908347 (VCV001908347.5), dbSNP rs1257907233, ClinGen allele CA382600666.

ClinVar aggregate classification (germline): Uncertain significance (1 of 4 stars; one submission).

Conditions:
Pyruvate dehydrogenase E2 deficiency (PDHDD). Also called: Dihydrolipoamide Acetyltransferase (E2) Deficiency; LACTIC ACIDEMIA DUE TO DEFECT OF E2 LIPOYL TRANSACETYLASE OF THE PYRUVATE DEHYDROGENASE COMPLEX. Identifiers: Orphanet 765, Orphanet 79244, MedGen C1855565, MONDO:0009502, OMIM 245348.

Allele frequency attached by ClinVar (database versions not stated): gnomAD 0.00001; gnomAD exomes 0.00001; TOPMed 0.00001.
gnomAD v4.1: 14 of 1,613,836 alleles (0.00087%); highest among the groups gnomAD compares: East Asian, 0.0067%; no homozygotes.

Submission:

Labcorp Genetics (formerly Invitae), Labcorp
Classification: Uncertain significance for Pyruvate dehydrogenase E2 deficiency. Last evaluated: 2021-12-25. Review status: criteria provided, single submitter. Criteria: Invitae Variant Classification Sherloc (09022015). Collection method: clinical testing. Allele origin: germline.
Comment: This variant has not been reported in the literature in individuals affected with DLAT-related conditions. In summary, the available evidence is currently insufficient to determine the role of this variant in disease. Therefore, it has been classified as a Variant of Uncertain Significance. Advanced modeling of protein sequence and biophysical properties (such as structural, functional, and spatial information, amino acid conservation, physicochemical variation, residue mobility, and thermodynamic stability) performed at Invitae indicates that this missense variant is not expected to disrupt DLAT protein function. This variant is present in population databases (no rsID available, gnomAD 0.006%). This sequence change replaces alanine, which is neutral and non-polar, with valine, which is neutral and non-polar, at codon 161 of the DLAT protein (p.Ala161Val).